The following is an entry in ClinVar:

ClinVar aggregate classification (germline): Pathogenic/Likely pathogenic. Review status: criteria provided, multiple submitters, no conflicts (2 of 4 stars). 2 submissions from 2 submitters: Pathogenic (1); Likely pathogenic (1). Last evaluated 2023-08-08.

Conditions:
Retinal dystrophy. Also called: Inherited retinal dystrophy. Identifiers: Orphanet 71862, MedGen C0854723, MeSH D058499, MONDO:0019118, HP:0000556.
Retinitis pigmentosa 3. Also called: CHOROIDORETINAL DEGENERATION WITH RETINAL REFLEX IN HETEROZYGOUS WOMEN. Identifiers: Orphanet 791, MedGen C1845667, MONDO:0010227, OMIM 300029.

Submissions (2):

Institute of Human Genetics, University of Leipzig Medical Center
Classification: Likely pathogenic for Retinitis pigmentosa 3. Last evaluated: 2023-08-08. Review status: criteria provided, single submitter. Criteria: ACMG Guidelines, 2015. Collection method: clinical testing. Allele origin: unknown. Inheritance: X-linked dominant inheritance. Affected: yes.
Comment: Criteria applied: PVS1_STR,PS4_MOD,PM2_SUP

Institute of Human Genetics, Univ. Regensburg, Univ. Regensburg
Classification: Pathogenic for Retinal dystrophy. Last evaluated: 2023-01-01. Review status: criteria provided, single submitter. Criteria: ACMG Guidelines, 2015. Collection method: clinical testing. Allele origin: germline. Affected: yes.

Literature cited by the submitters: PubMed 18552978 (cited by Institute of Human Genetics, Univ. Regensburg, Univ. Regensburg); PubMed 31054281 (cited by Institute of Human Genetics, Univ. Regensburg, Univ. Regensburg); PubMed 35432464 (cited by Institute of Human Genetics, Univ. Regensburg, Univ. Regensburg).

NM_001034853.2(RPGR):c.2321_2330del (p.Glu774fs)

Gene: RPGR (retinitis pigmentosa GTPase regulator; minus strand). Cytogenetic location: Xp11.4.
Variant type: Deletion.
Coding change: c.2321_2330del on transcript NM_001034853.2 (MANE Select); coding-DNA positions 2321 to 2330, 10 bases deleted (AGAGGAAAAA; older notation c.2321_2330delAGAGGAAAAA).
Protein change: p.Glu774fs; shifts the reading frame from glutamic acid 774.
Molecular consequence: frameshift variant. On other transcripts: intron variant (8).
Genome position (GRCh38, 1-based): chrX:38,286,669-38,286,678, TTTTTCCTCT deleted on the plus strand (AGAGGAAAAA on the coding strand, the reverse complement: RPGR is on the minus strand). VCF-style (leftmost placement, unchanged base first): chrX-38286668-CTTTTTCCTCT-C. GRCh37 (hg19) VCF-style: chrX-38145921-CTTTTTCCTCT-C.
Other names: c.1569+4281_1569+4290del (NM_001367249.1, NM_001367250.1); c.1902+416_1902+425del (NM_001367245.1); c.1386+4281_1386+4290del (NM_001367251.1); c.1719+416_1719+425del (NM_001367246.1); c.1572+4281_1572+4290del (NM_001367247.1); c.1905+416_1905+425del (NM_000328.3); c.1602+4281_1602+4290del (NM_001367248.1); short protein forms E774fs.
Identifiers: ClinVar variation 2578430 (VCV002578430.3), dbSNP rs2519791945, ClinGen allele CA2580617642.